The following is an entry in ClinVar:

NM_001365276.2(TNXB):c.7411C>G (p.Pro2471Ala)

Gene: TNXB (tenascin XB; minus strand). Cytogenetic location: 6p21.33.
Variant type: single nucleotide variant.
Coding change: c.7411C>G on transcript NM_001365276.2 (MANE Select); coding-DNA position 7411, C replaced by G.
Protein change: p.Pro2471Ala; replaces proline 2471 with alanine.
Molecular consequence: missense variant.
Genome position (GRCh38, 1-based): chr6:32,061,478, G>C on the plus strand (C>G on the coding strand, the complement: TNXB is on the minus strand). VCF-style: chr6-32061478-G-C. GRCh37 (hg19) VCF-style: chr6-32029255-G-C.
Other names: c.8152C>G, p.Pro2718Ala (NM_001428335.1); c.7411C>G, p.Pro2471Ala (NM_019105.8); short protein forms P2471A, P2718A.
Identifiers: ClinVar variation 4826811 (VCV004826811.1).

ClinVar aggregate classification (germline): Uncertain significance (1 of 4 stars; one submission).

Conditions:
Cardiovascular phenotype. Identifiers: MedGen CN230736.

gnomAD v4.1: 4 of 1,613,540 alleles (0.00025%); highest among the groups gnomAD compares: Non-Finnish European, 0.00034%; no homozygotes.

Submission:

Ambry Genetics
Classification: Uncertain significance for Cardiovascular phenotype. Last evaluated: 2026-03-11. Review status: criteria provided, single submitter. Criteria: Ambry Variant Classification Scheme 2023. Collection method: clinical testing. Allele origin: germline.
Comment: The p.P2471A variant (also known as c.7411C>G), located in coding exon 20 of the TNXB gene, results from a C to G substitution at nucleotide position 7411. The proline at codon 2471 is replaced by alanine, an amino acid with highly similar properties. This amino acid position is conserved. In addition, this alteration is predicted to be tolerated by in silico analysis. Based on the available evidence, the clinical significance of this variant remains unclear.